The following is an entry in ClinVar:

NM_000368.5(TSC1):c.512A>C (p.His171Pro)

Gene: TSC1 (TSC complex subunit 1; minus strand). Cytogenetic location: 9q34.13.
Variant type: single nucleotide variant.
Coding change: c.512A>C on transcript NM_000368.5 (MANE Select); coding-DNA position 512, A replaced by C.
Protein change: p.His171Pro; replaces histidine 171 with proline.
Molecular consequence: missense variant.
Genome position (GRCh38, 1-based): chr9:132,921,970, T>G on the plus strand (A>C on the coding strand, the complement: TSC1 is on the minus strand). VCF-style: chr9-132921970-T-G. GRCh37 (hg19) VCF-style: chr9-135797357-T-G.
Other names: c.512A>C, p.His171Pro (NM_001162426.2, NM_001406592.1, NM_001406593.1 and 16 more transcripts); c.359A>C, p.His120Pro (NM_001162427.2, NM_001406610.1, NM_001406611.1 and 2 more transcripts); c.149A>C, p.His50Pro (NM_001362177.2, NM_001406614.1, NM_001406615.1 and 10 more transcripts); c.-366A>C (NM_001406626.1, NM_001406627.1, NM_001406628.1); c.-508A>C (NM_001406629.1); c.-582A>C (NM_001406630.1); short protein forms H171P, H50P, H120P.
Identifiers: ClinVar variation 1745521 (VCV001745521.2), dbSNP rs2539017641, ClinGen allele CA375372945.

ClinVar aggregate classification (germline): Uncertain significance (1 of 4 stars; one submission).

Conditions:
Hereditary cancer-predisposing syndrome. Also called: Hereditary Cancer Syndrome; Neoplastic Syndromes, Hereditary; Tumor predisposition; Hereditary neoplastic syndrome. Identifiers: Orphanet 140162, MedGen C0027672, MeSH D009386, MONDO:0015356.

Submission:

Ambry Genetics
Classification: Uncertain significance for Hereditary cancer-predisposing syndrome. Last evaluated: 2022-08-15. Review status: criteria provided, single submitter. Criteria: Ambry Variant Classification Scheme 2023. Collection method: clinical testing. Allele origin: germline.
Comment: The p.H171P variant (also known as c.512A>C), located in coding exon 5 of the TSC1 gene, results from an A to C substitution at nucleotide position 512. The histidine at codon 171 is replaced by proline, an amino acid with similar properties. This amino acid position is conserved. In addition, this alteration is predicted to be deleterious by in silico analysis. Since supporting evidence is limited at this time, the clinical significance of this alteration remains unclear.